The following is an entry in ClinVar:

ClinVar aggregate classification (germline): Likely benign. Review status: criteria provided, multiple submitters, no conflicts (2 of 4 stars). 4 submissions from 4 submitters: Likely benign (3). 1 of the submissions does not count toward it. Last evaluated 2026-02-02.

Conditions:
DYNC2H1-related disorder. Also called: DYNC2H1-related disorders; DYNC2H1-related condition. Identifiers: MedGen CN378770.
Jeune thoracic dystrophy. Also called: Jeune syndrome; Infantile thoracic dystrophy; Thoracic pelvic phalangeal dystrophy; Jeune's syndrome; Chondroectodermal dysplasia-like syndrome; Short-rib thoracic dysplasia. Identifiers: Orphanet 474, MedGen C0265275, MONDO:0018770.

Allele frequency attached by ClinVar (database versions not stated): gnomAD 0.00011 and 0.00023; ExAC 0.00028; TOPMed 0.00034; gnomAD exomes 0.00046; 1000 Genomes Project 30x 0.00156; 1000 Genomes Project 0.00160.
gnomAD v4.1: 485 of 1,554,302 alleles (0.031%); highest among the groups gnomAD compares: East Asian, 1.2%; 9 homozygotes.

Submissions (4):

Labcorp Genetics (formerly Invitae), Labcorp
Classification: Likely benign for Jeune thoracic dystrophy. Last evaluated: 2026-02-02. Review status: criteria provided, single submitter. Criteria: Invitae Variant Classification Sherloc (09022015). Collection method: clinical testing. Allele origin: germline.

Blueprint Genetics
Classification: Likely benign. Last evaluated: 2023-10-04. Review status: criteria provided, single submitter. Criteria: ACMG Guidelines, 2015. Collection method: clinical testing. Allele origin: germline.

GeneDx
Classification: Likely benign. Last evaluated: 2021-03-10. Review status: criteria provided, single submitter. Criteria: GeneDx Variant Classification Process June 2021. Collection method: clinical testing. Allele origin: germline. Affected: yes.

PreventionGenetics, part of Exact Sciences
Classification: Likely benign for DYNC2H1-related condition. Last evaluated: 2019-08-09. Review status: no assertion criteria provided. Collection method: clinical testing. Allele origin: germline. Not counted in ClinVar's aggregate classification.
Comment: This variant is classified as likely benign based on ACMG/AMP sequence variant interpretation guidelines (Richards et al. 2015 PMID: 25741868, with internal and published modifications).

NM_001377.3(DYNC2H1):c.7797T>G (p.Leu2599=)

Gene: DYNC2H1 (dynein cytoplasmic 2 heavy chain 1; plus strand). Cytogenetic location: 11q22.3.
Variant type: single nucleotide variant.
Coding change: c.7797T>G on transcript NM_001377.3 (MANE Select); coding-DNA position 7797, T replaced by G.
Protein change: p.Leu2599=; no amino-acid change (leucine 2599 retained).
Molecular consequence: synonymous variant.
Genome position (GRCh38, 1-based): chr11:103,198,021, T>G. VCF-style: chr11-103198021-T-G. GRCh37 (hg19) VCF-style: chr11-103068750-T-G.
Other names: c.7797T>G, p.Leu2599= (NM_001080463.2).
Identifiers: ClinVar variation 696555 (VCV000696555.16), dbSNP rs139319426, ClinGen allele CA6254334.